The following is an entry in ClinVar:

ClinVar aggregate classification (germline): Uncertain significance (1 of 4 stars; one submission).

Conditions:
Deficiency of adenosine deaminase 2. Also called: Adenosine Deaminase 2 Deficiency; VASCULITIS, AUTOINFLAMMATION, IMMUNODEFICIENCY, AND HEMATOLOGIC DEFECTS SYNDROME; Polyarteritis nodosa, childhoood-onset. Identifiers: Orphanet 404553, MedGen C3887654, MONDO:0014306, OMIM 615688, MONDO:0100317.

Submission:

Labcorp Genetics (formerly Invitae), Labcorp
Classification: Uncertain significance for Polyarteritis nodosa, childhoood-onset. Last evaluated: 2019-12-23. Review status: criteria provided, single submitter. Criteria: Invitae Variant Classification Sherloc (09022015). Collection method: clinical testing. Allele origin: germline.
Comment: This variant results in a copy number gain of the genomic region encompassing exons 8-10 of the ADA2 gene. The 5' boundary is likely confined to intron 7. The 3' end of this event is unknown as it extends beyond the assayed region for this gene and therefore may encompass additional genes. As the precise location of this event is unknown, it may be in tandem or it may be located elsewhere in the genome. This variant has not been reported in the literature in individuals with ADA2-related disease. In summary, the available evidence is currently insufficient to determine the role of this variant in disease. Therefore, it has been classified as a Variant of Uncertain Significance.

NC_000022.10:g.(?_17662353)_(17663671_?)dup

Gene: ADA2 (adenosine deaminase 2; minus strand). Cytogenetic location: 22q11.1.
Variant type: Duplication.
Identifiers: ClinVar variation 583739 (VCV000583739.4).